The following is an entry in ClinVar:

NM_006005.3(WFS1):c.2404A>G (p.Ile802Val)

Gene: WFS1 (wolframin ER transmembrane glycoprotein; plus strand). Cytogenetic location: 4p16.1.
Variant type: single nucleotide variant.
Coding change: c.2404A>G on transcript NM_006005.3 (MANE Select); coding-DNA position 2404, A replaced by G.
Protein change: p.Ile802Val; replaces isoleucine 802 with valine.
Molecular consequence: missense variant.
Genome position (GRCh38, 1-based): chr4:6,302,199, A>G. VCF-style: chr4-6302199-A-G. GRCh37 (hg19) VCF-style: chr4-6303926-A-G.
Other names: c.2404A>G, p.Ile802Val (NM_001145853.1); short protein forms I802V.
Identifiers: ClinVar variation 1356983 (VCV001356983.5), dbSNP rs746922325, ClinGen allele CA2839723.

ClinVar aggregate classification (germline): Uncertain significance (1 of 4 stars; one submission).

Allele frequency attached by ClinVar (database versions not stated): gnomAD exomes below 0.00001; ExAC 0.00001.

Submission:

Labcorp Genetics (formerly Invitae), Labcorp
Classification: Uncertain significance. Last evaluated: 2022-11-01. Review status: criteria provided, single submitter. Criteria: Invitae Variant Classification Sherloc (09022015). Collection method: clinical testing. Allele origin: germline.
Comment: This sequence change replaces isoleucine, which is neutral and non-polar, with valine, which is neutral and non-polar, at codon 802 of the WFS1 protein (p.Ile802Val). This variant is present in population databases (rs746922325, gnomAD 0.0009%). This variant has not been reported in the literature in individuals affected with WFS1-related conditions. ClinVar contains an entry for this variant (Variation ID: 1356983). Advanced modeling of protein sequence and biophysical properties (such as structural, functional, and spatial information, amino acid conservation, physicochemical variation, residue mobility, and thermodynamic stability) performed at Invitae indicates that this missense variant is not expected to disrupt WFS1 protein function. In summary, the available evidence is currently insufficient to determine the role of this variant in disease. Therefore, it has been classified as a Variant of Uncertain Significance.